The following is an entry in ClinVar:

ClinVar aggregate classification (germline): Uncertain significance (0 of 4 stars; one submission).

Conditions:
P3H1-related disorder. Also called: P3H1-related condition.

Submission:

PreventionGenetics, part of Exact Sciences
Classification: Uncertain significance for P3H1-related condition. Last evaluated: 2024-07-17. Review status: no assertion criteria provided. Collection method: clinical testing. Allele origin: germline.
Comment: The P3H1 c.347_358del12 variant is predicted to result in an in-frame deletion (p.Arg116_Cys119del). To our knowledge, this variant has not been reported in the literature or in a large population database, indicating this variant is rare. At this time, the clinical significance of this variant is uncertain due to the absence of conclusive functional and genetic evidence.

NM_022356.4(P3H1):c.347_358del (p.Arg116_Cys119del)

Gene: P3H1 (prolyl 3-hydroxylase 1; minus strand). Cytogenetic location: 1p34.2.
Variant type: Deletion.
Coding change: c.347_358del on transcript NM_022356.4 (MANE Select); coding-DNA positions 347 to 358, 12 bases deleted (GCGCTGCCTGCC).
Protein change: p.Arg116_Cys119del.
Molecular consequence: inframe deletion. On other transcripts: inframe indel (1).
Genome position (GRCh38, 1-based): chr1:42,766,614-42,766,625, GGCAGGCAGCGC deleted on the plus strand (GCGCTGCCTGCC on the coding strand, the reverse complement: P3H1 is on the minus strand); deleting any 12 consecutive bases within chr1:42,766,614-42,766,626 gives the same sequence; the c. name uses the placement nearest the transcript's 3' end. VCF-style (leftmost placement, unchanged base first): chr1-42766613-AGGCAGGCAGCGC-A. GRCh37 (hg19) VCF-style: chr1-43232284-AGGCAGGCAGCGC-A.
Other names: c.347_358del, p.Arg116_Cys119del (NM_001146289.2, NM_001243246.2); c.347_358del12 (NM_022356.3).
Identifiers: ClinVar variation 3344566 (VCV003344566.1).